The following is an entry in ClinVar:

NM_181882.3(PRX):c.3527CAG[1] (p.Ala1177del)

Gene: PRX (periaxin; minus strand). Cytogenetic location: 19q13.2.
Variant type: Microsatellite.
Coding change: c.3527CAG[1] on transcript NM_181882.3 (MANE Select); one copy of the 3-base unit CAG starting at c.3527; the reference has two copies in a row; one copy, 3 bases deleted.
Protein change: p.Ala1177del; deletes alanine 1177.
Molecular consequence: inframe deletion. On other transcripts: 3 prime UTR variant (1).
Genome position (GRCh38, 1-based): chr19:40,394,820-40,394,822, CTG deleted on the plus strand (CAG on the coding strand, the reverse complement: PRX is on the minus strand); deleting any 3 consecutive bases within chr19:40,394,820-40,394,825 gives the same sequence; the position shown is the placement nearest the transcript's 3' end. VCF-style (leftmost placement, unchanged base first): chr19-40394819-TCTG-T. GRCh37 (hg19) VCF-style: chr19-40900726-TCTG-T.
Other names: c.*3732CAG[1] (NM_020956.2); c.3530_3532delCAG (NM_181882.2); short protein forms A1177del.
Identifiers: ClinVar variation 1313038 (VCV001313038.5), dbSNP rs765351391, ClinGen allele CA9443837.

ClinVar aggregate classification (germline): Uncertain significance. Review status: criteria provided, multiple submitters, no conflicts (2 of 4 stars). 3 submissions from 3 submitters: Uncertain significance (3). Last evaluated 2022-09-22.

Conditions:
Inborn genetic diseases. Identifiers: MedGen C0950123, MeSH D030342.
Charcot-Marie-Tooth disease type 4. Also called: Charcot-Marie-Tooth disease, type IV; Charcot-Marie-Tooth, Type 4. Identifiers: Orphanet 64749, MedGen C4082197, MONDO:0018995.

Submissions (3):

Ambry Genetics
Classification: Uncertain significance for Inborn genetic diseases. Last evaluated: 2022-09-22. Review status: criteria provided, single submitter. Criteria: Ambry Variant Classification Scheme 2023. Collection method: clinical testing. Allele origin: germline.
Comment: The c.3530_3532delCAG variant (also known as p.A1177del) is located in coding exon 4 of the PRX gene. This variant results from an in-frame CAG deletion at nucleotide positions 3530 to 3532. This results in the in-frame deletion of an alanine at codon 1177. This amino acid position is well conserved in available vertebrate species. In addition, the in silico prediction for this alteration is inconclusive (Choi Y et al. PLoS ONE. 2012; 7(10):e46688). Since supporting evidence is limited at this time, the clinical significance of this alteration remains unclear.

Labcorp Genetics (formerly Invitae), Labcorp
Classification: Uncertain significance for Charcot-Marie-Tooth disease type 4. Last evaluated: 2022-07-08. Review status: criteria provided, single submitter. Criteria: Invitae Variant Classification Sherloc (09022015). Collection method: clinical testing. Allele origin: germline.
Comment: This variant, c.3530_3532del, results in the deletion of 1 amino acid(s) of the PRX protein (p.Ala1177del), but otherwise preserves the integrity of the reading frame. This variant is present in population databases (rs765351391, gnomAD 0.04%). This variant has not been reported in the literature in individuals affected with PRX-related conditions. ClinVar contains an entry for this variant (Variation ID: 1313038). Experimental studies and prediction algorithms are not available or were not evaluated, and the functional significance of this variant is currently unknown. In summary, the available evidence is currently insufficient to determine the role of this variant in disease. Therefore, it has been classified as a Variant of Uncertain Significance.

GeneDx
Classification: Uncertain significance. Last evaluated: 2020-01-21. Review status: criteria provided, single submitter. Criteria: GeneDx Variant Classification Process June 2021. Collection method: clinical testing. Allele origin: germline. Affected: yes.
Comment: In-frame deletion of 1 amino acid in a non-repeat region; In silico analysis, which includes protein predictors and evolutionary conservation, supports a deleterious effect; Has not been previously published as pathogenic or benign to our knowledge